The following is an entry in ClinVar:

NM_001367805.3(KIF23):c.731C>G (p.Pro244Arg)

Gene: KIF23 (kinesin family member 23; plus strand). Cytogenetic location: 15q23.
Variant type: single nucleotide variant.
Coding change: c.731C>G on transcript NM_001367805.3 (MANE Select); coding-DNA position 731, C replaced by G.
Protein change: p.Pro244Arg; replaces proline 244 with arginine.
Molecular consequence: missense variant. On other transcripts: non-coding transcript variant (2).
Genome position (GRCh38, 1-based): chr15:69,423,326, C>G. VCF-style: chr15-69423326-C-G. GRCh37 (hg19) VCF-style: chr15-69715665-C-G.
Other names: c.401C>G, p.Pro134Arg (NM_001281301.2); c.731C>G, p.Pro244Arg (NM_001367804.2, NM_004856.7, NM_138555.4); short protein forms P134R, P244R.
Identifiers: ClinVar variation 2894688 (VCV002894688.3), dbSNP rs1441161270, ClinGen allele CA393003107.

ClinVar aggregate classification (germline): Uncertain significance (1 of 4 stars; one submission).

Submission:

Labcorp Genetics (formerly Invitae), Labcorp
Classification: Uncertain significance. Last evaluated: 2025-06-03. Review status: criteria provided, single submitter. Criteria: Invitae Variant Classification Sherloc (09022015). Collection method: clinical testing. Allele origin: germline.
Comment: This sequence change replaces proline, which is neutral and non-polar, with arginine, which is basic and polar, at codon 244 of the KIF23 protein (p.Pro244Arg). This variant is not present in population databases (gnomAD no frequency). This variant has not been reported in the literature in individuals affected with KIF23-related conditions. ClinVar contains an entry for this variant (Variation ID: 2894688). An algorithm developed to predict the effect of missense changes on protein structure and function (PolyPhen-2) suggests that this variant is likely to be tolerated. In summary, the available evidence is currently insufficient to determine the role of this variant in disease. Therefore, it has been classified as a Variant of Uncertain Significance.